The following is an entry in ClinVar:

ClinVar aggregate classification (germline): Uncertain significance (1 of 4 stars; one submission).

gnomAD v4.1: 1 of 1,606,654 alleles (0.000062%); highest among the groups gnomAD compares: African/African-American, 0.0013%; no homozygotes.

Submission:

Labcorp Genetics (formerly Invitae), Labcorp
Classification: Uncertain significance. Last evaluated: 2024-10-02. Review status: criteria provided, single submitter. Criteria: Invitae Variant Classification Sherloc (09022015). Collection method: clinical testing. Allele origin: germline.
Comment: This sequence change replaces glutamic acid, which is acidic and polar, with lysine, which is basic and polar, at codon 1656 of the COL11A1 protein (p.Glu1656Lys). This variant is not present in population databases (gnomAD no frequency). This variant has not been reported in the literature in individuals affected with COL11A1-related conditions. Invitae Evidence Modeling of protein sequence and biophysical properties (such as structural, functional, and spatial information, amino acid conservation, physicochemical variation, residue mobility, and thermodynamic stability) indicates that this missense variant is not expected to disrupt COL11A1 protein function with a negative predictive value of 95%. In summary, the available evidence is currently insufficient to determine the role of this variant in disease. Therefore, it has been classified as a Variant of Uncertain Significance.

NM_001854.4(COL11A1):c.4966G>A (p.Glu1656Lys)

Gene: COL11A1 (collagen type XI alpha 1 chain; minus strand). Cytogenetic location: 1p21.1.
Variant type: single nucleotide variant.
Coding change: c.4966G>A on transcript NM_001854.4 (MANE Select); coding-DNA position 4966, G replaced by A.
Protein change: p.Glu1656Lys; replaces glutamic acid 1656 with lysine.
Molecular consequence: missense variant. On other transcripts: non-coding transcript variant (1).
Genome position (GRCh38, 1-based): chr1:102,883,204, C>T on the plus strand (G>A on the coding strand, the complement: COL11A1 is on the minus strand). VCF-style: chr1-102883204-C-T. GRCh37 (hg19) VCF-style: chr1-103348760-C-T.
Other names: c.4849G>A, p.Glu1617Lys (NM_001190709.2); c.5002G>A, p.Glu1668Lys (NM_080629.3); c.4618G>A, p.Glu1540Lys (NM_080630.4); short protein forms E1668K, E1540K, E1656K, E1617K.
Identifiers: ClinVar variation 3643021 (VCV003643021.2).